The following is an entry in ClinVar:

ClinVar aggregate classification (germline): Uncertain significance (1 of 4 stars; one submission).

Submission:

GeneDx
Classification: Uncertain significance. Last evaluated: 2023-05-14. Review status: criteria provided, single submitter. Criteria: GeneDx Variant Classification Process June 2021. Collection method: clinical testing. Allele origin: germline. Affected: yes.
Comment: In-frame deletion of 1 amino acid in a non-repeat region; Not observed at significant frequency in large population cohorts (gnomAD); In silico analysis supports a deleterious effect on protein structure/function; Has not been previously published as pathogenic or benign to our knowledge

NM_001130438.3(SPTAN1):c.3529_3531del (p.Gly1177del)

Gene: SPTAN1 (spectrin alpha, non-erythrocytic 1; plus strand). Cytogenetic location: 9q34.11.
Variant type: Deletion.
Coding change: c.3529_3531del on transcript NM_001130438.3 (MANE Select); coding-DNA positions 3529 to 3531, 3 bases deleted (GGC; older notation c.3529_3531delGGC).
Protein change: p.Gly1177del; deletes glycine 1177.
Molecular consequence: inframe deletion.
Genome position (GRCh38, 1-based): chr9:128,598,972-128,598,974, GGC deleted. VCF-style (leftmost placement, unchanged base first): chr9-128598971-TGGC-T. GRCh37 (hg19) VCF-style: chr9-131361250-TGGC-T.
Other names: c.3565_3567del, p.Gly1189del (NM_001375318.1, NM_001375312.2); c.3529_3531del, p.Gly1177del (NM_003127.4, NM_001363759.2, NM_001375311.2 and 2 more transcripts); c.3469_3471del, p.Gly1157del (NM_001195532.2, NM_001375314.2, NM_001363765.2); short protein forms G1157del, G1177del, G1189del.
Identifiers: ClinVar variation 3343461 (VCV003343461.1).